The following is an entry in ClinVar:

NM_002361.4(MAG):c.629C>T (p.Ala210Val)

Gene: MAG (myelin associated glycoprotein; plus strand). Cytogenetic location: 19q13.12.
Variant type: single nucleotide variant.
Coding change: c.629C>T on transcript NM_002361.4 (MANE Select); coding-DNA position 629, C replaced by T.
Protein change: p.Ala210Val; replaces alanine 210 with valine.
Molecular consequence: missense variant.
Genome position (GRCh38, 1-based): chr19:35,299,767, C>T. VCF-style: chr19-35299767-C-T. GRCh37 (hg19) VCF-style: chr19-35790670-C-T.
Other names: p.Ala210Val; c.554C>T, p.Ala185Val (NM_001199216.2); c.629C>T, p.Ala210Val (NM_080600.3); short protein forms A185V, A210V.
Identifiers: ClinVar variation 4542339 (VCV004542339.1).

ClinVar aggregate classification (germline): Uncertain significance (1 of 4 stars; one submission).

gnomAD v4.1: 31 of 1,550,668 alleles (0.002%); highest among the groups gnomAD compares: Non-Finnish European, 0.00035%; no homozygotes.

Submission:

Mayo Clinic Laboratories, Mayo Clinic
Classification: Uncertain significance. Last evaluated: 2025-09-18. Review status: criteria provided, single submitter. Criteria: ACMG Guidelines, 2015. Collection method: clinical testing. Allele origin: germline. Observed: 1 variant allele.
Comment: BP4_moderate